The following is an entry in ClinVar:

NM_000321.3(RB1):c.1726T>A (p.Ser576Thr)

Gene: RB1 (RB transcriptional corepressor 1; plus strand). Cytogenetic location: 13q14.2.
Variant type: single nucleotide variant.
Coding change: c.1726T>A on transcript NM_000321.3 (MANE Select); coding-DNA position 1726, T replaced by A.
Protein change: p.Ser576Thr; replaces serine 576 with threonine.
Molecular consequence: missense variant.
Genome position (GRCh38, 1-based): chr13:48,453,023, T>A. VCF-style: chr13-48453023-T-A. GRCh37 (hg19) VCF-style: chr13-49027159-T-A.
Other names: c.1726T>A, p.Ser576Thr (NM_001407165.1); short protein forms S576T.
Identifiers: ClinVar variation 3313069 (VCV003313069.1).

ClinVar aggregate classification (germline): Uncertain significance (1 of 4 stars; one submission).

Conditions:
Hereditary cancer-predisposing syndrome. Also called: Neoplastic Syndromes, Hereditary; Tumor predisposition; Hereditary neoplastic syndrome; Hereditary Cancer Syndrome. Identifiers: Orphanet 140162, MedGen C0027672, MeSH D009386, MONDO:0015356.

Submission:

Ambry Genetics
Classification: Uncertain significance for Hereditary cancer-predisposing syndrome. Last evaluated: 2024-06-08. Review status: criteria provided, single submitter. Criteria: Ambry Variant Classification Scheme 2023. Collection method: clinical testing. Allele origin: germline.
Comment: The p.S576T variant (also known as c.1726T>A), located in coding exon 18 of the RB1 gene, results from a T to A substitution at nucleotide position 1726. The serine at codon 576 is replaced by threonine, an amino acid with similar properties. This amino acid position is conserved. In addition, this alteration is predicted to be tolerated by in silico analysis. Based on the available evidence, the clinical significance of this variant remains unclear.